The following is an entry in ClinVar:

NM_000455.5(STK11):c.733C>T (p.Leu245Phe)

Gene: STK11 (serine/threonine kinase 11; plus strand). Cytogenetic location: 19p13.3.
Variant type: single nucleotide variant.
Coding change: c.733C>T on transcript NM_000455.5 (MANE Select); coding-DNA position 733, C replaced by T.
Protein change: p.Leu245Phe; replaces leucine 245 with phenylalanine.
Molecular consequence: missense variant. On other transcripts: non-coding transcript variant (1).
Genome position (GRCh38, 1-based): chr19:1,220,716, C>T. VCF-style: chr19-1220716-C-T. GRCh37 (hg19) VCF-style: chr19-1220715-C-T.
Other names: c.733C>T, p.Leu245Phe (NM_001407255.1); short protein forms L245F.
Identifiers: ClinVar variation 3257821 (VCV003257821.3).

ClinVar aggregate classification (germline): Likely pathogenic (1 of 4 stars; one submission).
ClinVar aggregate classification (oncogenicity): Likely oncogenic (1 of 4 stars; one submission).

Conditions:
Neoplasm. Also called: tumor; Neoplasms; Neoplasm (disease). Identifiers: MedGen C0027651, MeSH D009369, MONDO:0005070, HP:0002664.

Submissions (2):

Center for Genomic Medicine, Rigshospitalet, Copenhagen University Hospital
Classification: Likely oncogenic for Neoplasm. Last evaluated: 2025-03-04. Review status: criteria provided, single submitter. Criteria: ClinGen/CGC/VICC Guidelines for Oncogenicity, 2022. Collection method: clinical testing. Allele origin: somatic. Affected: yes.

Quest Diagnostics Nichols Institute San Juan Capistrano
Classification: Likely pathogenic. Last evaluated: 2024-08-09. Review status: criteria provided, single submitter. Criteria: Quest Diagnostics criteria. Collection method: clinical testing. Allele origin: unknown.
Comment: The STK11 c.733C>T (p.Leu245Phe) variant has been reported in the published literature in individuals with Peutz-Jeghers syndrome (PJS) (PMIDs: 23718779 (2013), 37377590 (2023), 38660671 (2024)). Functional analysis of this variant have demonstrated that it may disrupt cell proliferation and contribute to polyp and tumor growth (PMID: 38660671 (2024)). This variant has not been reported in large, multi-ethnic general populations (Genome Aggregation Database). Analysis of this variant using bioinformatics tools for the prediction of the effect of amino acid changes on protein structure and function yielded predictions that this variant is damaging. Based on the available information, this variant is classified as likely pathogenic.

Literature cited by the submitters: PubMed 38660671 (cited by Center for Genomic Medicine, Rigshospitalet, Copenhagen University Hospital and Quest Diagnostics Nichols Institute San Juan Capistrano); PubMed 37377590 (cited by Quest Diagnostics Nichols Institute San Juan Capistrano); PubMed 23718779 (cited by Quest Diagnostics Nichols Institute San Juan Capistrano).